The following is an entry in ClinVar:

ClinVar aggregate classification (germline): Uncertain significance (1 of 4 stars; one submission).

Conditions:
Developmental and epileptic encephalopathy, 42 (DEE42A). Also called: DEVELOPMENTAL AND EPILEPTIC ENCEPHALOPATHY 42A; EPILEPTIC ENCEPHALOPATHY, EARLY INFANTILE, 42A; Epileptic encephalopathy, early infantile, 42. Identifiers: MedGen C4310716, MONDO:0014917, OMIM 617106.
Episodic ataxia type 2 (EA2). Also called: ACETAZOLAMIDE-RESPONSIVE HEREDITARY PAROXYSMAL CEREBELLAR ATAXIA; ATAXIA, EPISODIC, WITH NYSTAGMUS; ATAXIA, FAMILIAL PAROXYSMAL; CEREBELLAR ATAXIA, PAROXYSMAL, ACETAZOLAMIDE-RESPONSIVE; CEREBELLOPATHY, HEREDITARY PAROXYSMAL; EPISODIC ATAXIA, NYSTAGMUS-ASSOCIATED. Identifiers: Orphanet 97, MedGen C1720416, MONDO:0007163, OMIM 108500.

Allele frequency attached by ClinVar (database versions not stated): ExAC 0.00006.
gnomAD v4.1: 10 of 1,519,434 alleles (0.00066%); highest among the groups gnomAD compares: South Asian, 0.0061%; no homozygotes.

Submission:

Labcorp Genetics (formerly Invitae), Labcorp
Classification: Uncertain significance for Developmental and epileptic encephalopathy, 42; Episodic ataxia type 2. Last evaluated: 2021-12-15. Review status: criteria provided, single submitter. Criteria: Invitae Variant Classification Sherloc (09022015). Collection method: clinical testing. Allele origin: germline.
Comment: In summary, the available evidence is currently insufficient to determine the role of this variant in disease. Therefore, it has been classified as a Variant of Uncertain Significance. Advanced modeling of protein sequence and biophysical properties (such as structural, functional, and spatial information, amino acid conservation, physicochemical variation, residue mobility, and thermodynamic stability) performed at Invitae indicates that this missense variant is not expected to disrupt CACNA1A protein function. This variant has not been reported in the literature in individuals affected with CACNA1A-related conditions. The frequency data for this variant in the population databases is considered unreliable, as metrics indicate poor data quality at this position in the gnomAD database. This sequence change replaces proline, which is neutral and non-polar, with leucine, which is neutral and non-polar, at codon 997 of the CACNA1A protein (p.Pro997Leu).

NM_001127222.2(CACNA1A):c.2987C>T (p.Pro996Leu)

Gene: CACNA1A (calcium voltage-gated channel subunit alpha1 A; minus strand). Cytogenetic location: 19p13.13.
Variant type: single nucleotide variant.
Coding change: c.2987C>T on transcript NM_001127222.2 (MANE Select); coding-DNA position 2987, C replaced by T.
Protein change: p.Pro996Leu; replaces proline 996 with leucine.
Molecular consequence: missense variant.
Genome position (GRCh38, 1-based): chr19:13,298,646, G>A on the plus strand (C>T on the coding strand, the complement: CACNA1A is on the minus strand). VCF-style: chr19-13298646-G-A. GRCh37 (hg19) VCF-style: chr19-13409460-G-A.
Other names: c.2999C>T, p.Pro1000Leu (NM_000068.4, NM_023035.3); c.2990C>T, p.Pro997Leu (NM_001127221.2, NM_001174080.2); short protein forms P1000L, P996L, P997L.
Identifiers: ClinVar variation 2051583 (VCV002051583.4), dbSNP rs750356248, ClinGen allele CA9240443.